The following is an entry in ClinVar:

NM_004612.4(TGFBR1):c.71_75del (p.Ala24fs)

Gene: TGFBR1 (transforming growth factor beta receptor 1; plus strand). Cytogenetic location: 9q22.33.
Variant type: Deletion.
Coding change: c.71_75del on transcript NM_004612.4 (MANE Select); coding-DNA positions 71 to 75, 5 bases deleted (CGGCG; older notation c.71_75delCGGCG).
Protein change: p.Ala24fs; shifts the reading frame from alanine 24.
Molecular consequence: frameshift variant.
Genome position (GRCh38, 1-based): chr9:99,105,276-99,105,280, CGGCG deleted; deleting any 5 consecutive bases within chr9:99,105,275-99,105,280 gives the same sequence; the c. name uses the placement nearest the transcript's 3' end. VCF-style (leftmost placement, unchanged base first): chr9-99105274-GGCGGC-G. GRCh37 (hg19) VCF-style: chr9-101867556-GGCGGC-G.
Other names: c.71_75del, p.Ala24fs (NM_001130916.3, NM_001306210.2); short protein forms A24fs.
Identifiers: ClinVar variation 263391 (VCV000263391.5), dbSNP rs886038783, ClinGen allele CA10587680.

ClinVar aggregate classification (germline): Pathogenic (1 of 4 stars; one submission).

Conditions:
Familial thoracic aortic aneurysm and aortic dissection (TAAD). Also called: Thoracic aortic aneurysms and dissections. Identifiers: Orphanet 91387, MedGen C4707243, MONDO:0019625.

Submission:

Ambry Genetics
Classification: Pathogenic for Familial thoracic aortic aneurysm and aortic dissection. Last evaluated: 2022-10-04. Review status: criteria provided, single submitter. Criteria: Ambry Variant Classification Scheme 2023. Collection method: clinical testing. Allele origin: germline.
Comment: The c.70_74delGCGGC pathogenic mutation, located in coding exon 1 of the TGFBR1 gene, results from a deletion of 5 nucleotides at nucleotide positions 70 to 74, causing a translational frameshift with a predicted alternate stop codon (p.A24Gfs*49). This alteration is expected to result in loss of function by premature protein truncation or nonsense-mediated mRNA decay. Based on the supporting evidence, this variant is pathogenic for an increased risk of multiple self-healing squamous epithelioma (MSSE); however, the association of this variant with TGFBR1-related Loeys-Dietz syndrome is unknown.